The following is an entry in ClinVar:

NM_004924.6(ACTN4):c.445ATC[1] (p.Ile150del)

Gene: ACTN4 (actinin alpha 4; plus strand). Cytogenetic location: 19q13.2.
Variant type: Microsatellite.
Coding change: c.445ATC[1] on transcript NM_004924.6 (MANE Select); one copy of the 3-base unit ATC starting at c.445; the reference has two copies in a row; one copy, 3 bases deleted.
Protein change: p.Ile150del; deletes isoleucine 150.
Molecular consequence: inframe deletion.
Genome position (GRCh38, 1-based): chr19:38,704,984-38,704,986, ATC deleted; deleting any 3 consecutive bases within chr19:38,704,980-38,704,986 gives the same sequence; the position shown is the placement nearest the transcript's 3' end. VCF-style (leftmost placement, unchanged base first): chr19-38704979-CCAT-C. GRCh37 (hg19) VCF-style: chr19-39195619-CCAT-C.
Other names: c.445ATC[1], p.Ile150del (NM_001322033.2, NM_001411143.1); short protein forms I150del.
Identifiers: ClinVar variation 2736886 (VCV002736886.3), dbSNP rs2515193918, ClinGen allele CA2695228745.

ClinVar aggregate classification (germline): Pathogenic (1 of 4 stars; one submission).

Submission:

Labcorp Genetics (formerly Invitae), Labcorp
Classification: Pathogenic. Last evaluated: 2023-12-30. Review status: criteria provided, single submitter. Criteria: Invitae Variant Classification Sherloc (09022015). Collection method: clinical testing. Allele origin: germline.
Comment: This variant, c.448_450del, results in the deletion of 1 amino acid(s) of the ACTN4 protein (p.Ile150del), but otherwise preserves the integrity of the reading frame. This variant is not present in population databases (gnomAD no frequency). This variant has been observed in individual(s) with focal segmental glomerulosclerosis (PMID: 16251236). It has also been observed to segregate with disease in related individuals. Algorithms developed to predict the effect of variants on protein structure and function are not available or were not evaluated for this variant. Experimental studies have shown that this variant affects ACTN4 function (PMID: 16251236). For these reasons, this variant has been classified as Pathogenic.

Literature cited by the submitters: PubMed 16251236.